The following is an entry in ClinVar:

ClinVar aggregate classification (germline): Likely pathogenic (1 of 4 stars; one submission).

Conditions:
Joubert syndrome 18 (JBTS18). Identifiers: Orphanet 2754, MedGen C3553758, MONDO:0013896, OMIM 614815.
Orofacial-digital syndrome IV (OFD4). Also called: BARAITSER-BURN SYNDROME; OFD SYNDROME WITH TIBIAL DEFECTS; OFD SYNDROME, BARAITSER-BURN TYPE; OFDS IV; ORAL-FACIAL-DIGITAL SYNDROME, TYPE IV; Orofaciodigital syndrome IV. Identifiers: Orphanet 2753, MedGen C0406727, MONDO:0009794, OMIM 258860.

Submission:

Labcorp Genetics (formerly Invitae), Labcorp
Classification: Likely pathogenic for Joubert syndrome 18; Orofacial-digital syndrome IV. Last evaluated: 2024-03-16. Review status: criteria provided, single submitter. Criteria: Invitae Variant Classification Sherloc (09022015). Collection method: clinical testing. Allele origin: germline.
Comment: This sequence change affects an acceptor splice site in intron 5 of the TCTN3 gene. It is expected to disrupt RNA splicing. Variants that disrupt the donor or acceptor splice site typically lead to a loss of protein function (PMID: 16199547), and loss-of-function variants in TCTN3 are known to be pathogenic (PMID: 2692869, 22883145, 25118024). This variant is not present in population databases (gnomAD no frequency). This variant has not been reported in the literature in individuals affected with TCTN3-related conditions. Algorithms developed to predict the effect of sequence changes on RNA splicing suggest that this variant may disrupt the consensus splice site. In summary, the currently available evidence indicates that the variant is pathogenic, but additional data are needed to prove that conclusively. Therefore, this variant has been classified as Likely Pathogenic.

Literature cited by the submitters: PubMed 16199547; PubMed 2692869; PubMed 22883145; PubMed 25118024.

NM_015631.6(TCTN3):c.737-1G>T

Gene: TCTN3 (tectonic family member 3; minus strand). Cytogenetic location: 10q24.1.
Variant type: single nucleotide variant.
Coding change: c.737-1G>T on transcript NM_015631.6 (MANE Select); the canonical splice acceptor site of the intron before coding-DNA position 737, G replaced by T.
Molecular consequence: splice acceptor variant.
Genome position (GRCh38, 1-based): chr10:95,687,160, C>A on the plus strand (G>T on the coding strand, the complement: TCTN3 is on the minus strand). VCF-style: chr10-95687160-C-A. GRCh37 (hg19) VCF-style: chr10-97446917-C-A.
Other names: c.500-1G>T (NM_001143973.2); c.737-1G>T (NM_001410982.1).
Identifiers: ClinVar variation 3762508 (VCV003762508.2).